The following is an entry in ClinVar:

ClinVar aggregate classification (germline): Uncertain significance. Review status: criteria provided, multiple submitters, no conflicts (2 of 4 stars). 3 submissions from 3 submitters: Uncertain significance (2). 1 of the submissions does not count toward it. Last evaluated 2022-07-12.

Conditions:
Metachromatic leukodystrophy (MLD). Also called: METACHROMATIC LEUKOENCEPHALOPATHY; Arylsulfatase A Deficiency; SULFATIDE LIPIDOSIS; ARSA DEFICIENCY; CEREBROSIDE SULFATASE DEFICIENCY; Cerebral sclerosis diffuse metachromatic form. Identifiers: Orphanet 512, MedGen C0023522, MONDO:0018868, OMIM 250100.
Sphingolipid activator protein 1 deficiency. Also called: METACHROMATIC LEUKODYSTROPHY DUE TO CEREBROSIDE SULFATASE ACTIVATOR DEFICIENCY; Saposin B Deficiency; Metachromatic leukodystrophy due to saposin B deficiency. Identifiers: Orphanet 512, MedGen C0268262, MONDO:0009590, OMIM 249900.
Krabbe disease due to saposin A deficiency. Also called: Saposin A Deficiency; KRABBE DISEASE, ATYPICAL, DUE TO SAPOSIN A DEFICIENCY. Identifiers: Orphanet 487, MedGen C2673266, MONDO:0012720, OMIM 611722.
Combined PSAP deficiency (PSAPD). Also called: PROSAPOSIN DEFICIENCY; Encephalopathy due to prosaposin deficiency; COMBINED SAP DEFICIENCY. Identifiers: Orphanet 139406, MedGen C2673635, MONDO:0012719, OMIM 611721.
Gaucher disease due to saposin C deficiency. Also called: Saposin C Deficiency; Atypical Gaucher disease due to saposin C deficiency. Identifiers: Orphanet 309252, Orphanet 355, MedGen C1864651, MONDO:0012517, OMIM 610539.
Parkinson disease 24, autosomal dominant, susceptibility to. Identifiers: MedGen C5561969, MONDO:0859183, OMIM 619491.

Allele frequency attached by ClinVar (database versions not stated): ExAC 0.00001; gnomAD 0.00001; gnomAD exomes 0.00002 and 0.00003; TOPMed 0.00002.

Submissions (3):

Labcorp Genetics (formerly Invitae), Labcorp
Classification: Uncertain significance for Sphingolipid activator protein 1 deficiency. Last evaluated: 2022-07-12. Review status: criteria provided, single submitter. Criteria: Invitae Variant Classification Sherloc (09022015). Collection method: clinical testing. Allele origin: germline.
Comment: This sequence change replaces valine, which is neutral and non-polar, with isoleucine, which is neutral and non-polar, at codon 398 of the PSAP protein (p.Val398Ile). This variant also falls at the last nucleotide of exon 10, which is part of the consensus splice site for this exon. This variant is present in population databases (rs759178813, gnomAD 0.003%). This variant has not been reported in the literature in individuals affected with PSAP-related conditions. ClinVar contains an entry for this variant (Variation ID: 991964). Algorithms developed to predict the effect of missense changes on protein structure and function are either unavailable or do not agree on the potential impact of this missense change (SIFT: "Not Available"; PolyPhen-2: "Benign"; Align-GVGD: "Not Available"). Variants that disrupt the consensus splice site are a relatively common cause of aberrant splicing (PMID: 17576681, 9536098). Algorithms developed to predict the effect of sequence changes on RNA splicing suggest that this variant may create or strengthen a splice site. In summary, the available evidence is currently insufficient to determine the role of this variant in disease. Therefore, it has been classified as a Variant of Uncertain Significance.

Fulgent Genetics
Classification: Uncertain significance for Sphingolipid activator protein 1 deficiency; Gaucher disease due to saposin C deficiency; Combined PSAP deficiency; Krabbe disease due to saposin A deficiency; Parkinson disease 24, autosomal dominant, susceptibility to. Last evaluated: 2021-12-03. Review status: criteria provided, single submitter. Criteria: ACMG Guidelines, 2015. Collection method: clinical testing. Allele origin: unknown.

Natera, Inc.
Classification: Uncertain significance for Metachromatic leukodystrophy. Last evaluated: 2020-04-11. Review status: no assertion criteria provided. Collection method: clinical testing. Allele origin: germline. Not counted in ClinVar's aggregate classification.

Literature cited by the submitters: PubMed 17576681 (cited by Labcorp Genetics (formerly Invitae), Labcorp); PubMed 9536098 (cited by Labcorp Genetics (formerly Invitae), Labcorp).

NM_002778.4(PSAP):c.1192G>A (p.Val398Ile)

Gene: PSAP (prosaposin; minus strand). Cytogenetic location: 10q22.1.
Variant type: single nucleotide variant.
Coding change: c.1192G>A on transcript NM_002778.4 (MANE Select); coding-DNA position 1192, G replaced by A.
Protein change: p.Val398Ile; replaces valine 398 with isoleucine.
Molecular consequence: missense variant.
Genome position (GRCh38, 1-based): chr10:71,819,714, C>T on the plus strand (G>A on the coding strand, the complement: PSAP is on the minus strand). VCF-style: chr10-71819714-C-T. GRCh37 (hg19) VCF-style: chr10-73579471-C-T.
Other names: c.1201G>A, p.Val401Ile (NM_001042465.3); c.1198G>A, p.Val400Ile (NM_001042466.3); short protein forms V398I, V400I, V401I.
Identifiers: ClinVar variation 991964 (VCV000991964.5), dbSNP rs759178813, ClinGen allele CA5547461.